The following is an entry in ClinVar:

NM_000817.3(GAD1):c.1297G>T (p.Gly433Ter)

Gene: GAD1 (glutamate decarboxylase 1; plus strand). Cytogenetic location: 2q31.1.
Variant type: single nucleotide variant.
Coding change: c.1297G>T on transcript NM_000817.3 (MANE Select); coding-DNA position 1297, G replaced by T.
Protein change: p.Gly433Ter; replaces glycine 433 with a stop codon.
Molecular consequence: nonsense.
Genome position (GRCh38, 1-based): chr2:170,853,906, G>T. VCF-style: chr2-170853906-G-T. GRCh37 (hg19) VCF-style: chr2-171710416-G-T.
Other names: short protein forms G433*.
Identifiers: ClinVar variation 2501091 (VCV002501091.1), dbSNP rs2468367688, ClinGen allele CA349266954.

ClinVar aggregate classification (germline): Likely pathogenic (1 of 4 stars; one submission).

Conditions:
Developmental and epileptic encephalopathy 89. Identifiers: MedGen C5436853, MONDO:0030856, OMIM 619124.

Allele frequency attached by ClinVar (database versions not stated): gnomAD exomes below 0.00001.

Submission:

Women's Health and Genetics/Laboratory Corporation of America, LabCorp
Classification: Likely pathogenic for Developmental and epileptic encephalopathy 89. Last evaluated: 2023-03-16. Review status: criteria provided, single submitter. Criteria: LabCorp Variant Classification Summary - May 2015. Collection method: clinical testing. Allele origin: germline.
Comment: Variant summary: GAD1 c.1297G>T (p.Gly433X) results in a premature termination codon, predicted to cause a truncation of the encoded protein or absence of the protein due to nonsense mediated decay, which are commonly known mechanisms for disease. The variant was absent in 251462 control chromosomes (gnomAD). To our knowledge, no occurrence of c.1297G>T in individuals affected with Developmental And Epileptic Encephalopathy 89 and no experimental evidence demonstrating its impact on protein function have been reported. No clinical diagnostic laboratories have submitted clinical-significance assessments for this variant to ClinVar after 2014. Based on the evidence outlined above, the variant was classified as likely pathogenic.